The following is an entry in ClinVar:

NM_000264.5(PTCH1):c.469C>G (p.Leu157Val)

Gene: PTCH1 (patched 1; minus strand). Cytogenetic location: 9q22.32.
Variant type: single nucleotide variant.
Coding change: c.469C>G on transcript NM_000264.5 (MANE Select); coding-DNA position 469, C replaced by G.
Protein change: p.Leu157Val; replaces leucine 157 with valine.
Molecular consequence: missense variant. On other transcripts: non-coding transcript variant (1).
Genome position (GRCh38, 1-based): chr9:95,485,800, G>C on the plus strand (C>G on the coding strand, the complement: PTCH1 is on the minus strand). VCF-style: chr9-95485800-G-C. GRCh37 (hg19) VCF-style: chr9-98248082-G-C.
Other names: c.271C>G, p.Leu91Val (NM_001083602.3, NM_001354919.2); c.466C>G, p.Leu156Val (NM_001083603.3); c.16C>G, p.Leu6Val (NM_001083604.3, NM_001083605.3, NM_001083606.3 and 1 more transcripts); c.469C>G, p.Leu157Val (NM_001354918.2); short protein forms L156V, L6V, L91V, L157V.
Identifiers: ClinVar variation 5027501 (VCV005027501.1).

ClinVar aggregate classification (germline): Uncertain significance (1 of 4 stars; one submission).

Conditions:
Hereditary cancer-predisposing syndrome. Also called: Neoplastic Syndromes, Hereditary; Tumor predisposition; Hereditary neoplastic syndrome; Hereditary Cancer Syndrome. Identifiers: Orphanet 140162, MedGen C0027672, MeSH D009386, MONDO:0015356.

gnomAD v4.1: 1 of 1,614,058 alleles (0.000062%); highest among the groups gnomAD compares: South Asian, 0.0011%; no homozygotes.

Submission:

Ambry Genetics
Classification: Uncertain significance for Hereditary cancer-predisposing syndrome. Last evaluated: 2026-07-07. Review status: criteria provided, single submitter. Criteria: Ambry Variant Classification Scheme 2023. Collection method: clinical testing. Allele origin: germline.
Comment: The p.L91V variant (also known as c.271C>G), located in coding exon 3 of the PTCH1 gene, results from a C to G substitution at nucleotide position 271. The leucine at codon 91 is replaced by valine, an amino acid with highly similar properties. This amino acid position is conserved. In addition, this alteration is predicted to be deleterious by in silico analysis. Based on the available evidence, the clinical significance of this variant remains unclear.